The following is an entry in ClinVar:

NM_001354930.2(RIPK1):c.1585A>G (p.Ile529Val)

Gene: RIPK1 (receptor interacting serine/threonine kinase 1; plus strand). Cytogenetic location: 6p25.2.
Variant type: single nucleotide variant.
Coding change: c.1585A>G on transcript NM_001354930.2 (MANE Select); coding-DNA position 1585, A replaced by G.
Protein change: p.Ile529Val; replaces isoleucine 529 with valine.
Molecular consequence: missense variant.
Genome position (GRCh38, 1-based): chr6:3,110,811, A>G. VCF-style: chr6-3110811-A-G. GRCh37 (hg19) VCF-style: chr6-3111045-A-G.
Other names: c.1096A>G, p.Ile366Val (NM_001317061.3, NM_001354932.2, NM_001354933.2 and 1 more transcripts); c.1447A>G, p.Ile483Val (NM_001354931.2); c.1585A>G, p.Ile529Val (NM_003804.6); short protein forms I366V, I483V, I529V.
Identifiers: ClinVar variation 1933441 (VCV001933441.5), dbSNP rs374613351, ClinGen allele CA133457188.

ClinVar aggregate classification (germline): Uncertain significance (1 of 4 stars; one submission).

Allele frequency attached by ClinVar (database versions not stated): gnomAD 0.00001; gnomAD exomes 0.00001; TOPMed 0.00002; ESP Exome Variant Server 0.00008.
gnomAD v4.1: 21 of 1,572,162 alleles (0.0013%); highest among the groups gnomAD compares: Non-Finnish European, 0.0018%; no homozygotes.

Submission:

Labcorp Genetics (formerly Invitae), Labcorp
Classification: Uncertain significance. Last evaluated: 2025-03-13. Review status: criteria provided, single submitter. Criteria: Invitae Variant Classification Sherloc (09022015). Collection method: clinical testing. Allele origin: germline.
Comment: This sequence change replaces isoleucine, which is neutral and non-polar, with valine, which is neutral and non-polar, at codon 529 of the RIPK1 protein (p.Ile529Val). This variant is present in population databases (rs374613351, gnomAD 0.007%). This variant has not been reported in the literature in individuals affected with RIPK1-related conditions. ClinVar contains an entry for this variant (Variation ID: 1933441). An algorithm developed to predict the effect of missense changes on protein structure and function outputs the following: PolyPhen-2: "Benign". The valine amino acid residue is found in multiple mammalian species, which suggests that this missense change does not adversely affect protein function. In summary, the available evidence is currently insufficient to determine the role of this variant in disease. Therefore, it has been classified as a Variant of Uncertain Significance.